The following is an entry in ClinVar:

NM_001046.3(SLC12A2):c.437C>T (p.Pro146Leu)

Gene: SLC12A2 (solute carrier family 12 member 2; plus strand). Cytogenetic location: 5q23.3.
Variant type: single nucleotide variant.
Coding change: c.437C>T on transcript NM_001046.3 (MANE Select); coding-DNA position 437, C replaced by T.
Protein change: p.Pro146Leu; replaces proline 146 with leucine.
Molecular consequence: missense variant. On other transcripts: non-coding transcript variant (1).
Genome position (GRCh38, 1-based): chr5:128,084,391, C>T. VCF-style: chr5-128084391-C-T. GRCh37 (hg19) VCF-style: chr5-127420083-C-T.
Other names: c.437C>T, p.Pro146Leu (NM_001256461.2); short protein forms P146L.
Identifiers: ClinVar variation 1517288 (VCV001517288.6), dbSNP rs753956161, ClinGen allele CA3392802.

ClinVar aggregate classification (germline): Uncertain significance (1 of 4 stars; one submission).

Allele frequency attached by ClinVar (database versions not stated): gnomAD exomes below 0.00001; ExAC 0.00001; gnomAD 0.00002; TOPMed 0.00002.
gnomAD v4.1: 19 of 1,609,108 alleles (0.0012%); highest among the groups gnomAD compares: South Asian, 0.0022%; no homozygotes.

Submission:

Labcorp Genetics (formerly Invitae), Labcorp
Classification: Uncertain significance. Last evaluated: 2021-09-14. Review status: criteria provided, single submitter. Criteria: Invitae Variant Classification Sherloc (09022015). Collection method: clinical testing. Allele origin: germline.
Comment: This sequence change replaces proline with leucine at codon 146 of the SLC12A2 protein (p.Pro146Leu). The proline residue is moderately conserved and there is a moderate physicochemical difference between proline and leucine. This variant is present in population databases (rs753956161, ExAC 0.008%). This variant has not been reported in the literature in individuals affected with SLC12A2-related conditions. Advanced modeling of protein sequence and biophysical properties (such as structural, functional, and spatial information, amino acid conservation, physicochemical variation, residue mobility, and thermodynamic stability) performed at Invitae indicates that this missense variant is not expected to disrupt SLC12A2 protein function. In summary, the available evidence is currently insufficient to determine the role of this variant in disease. Therefore, it has been classified as a Variant of Uncertain Significance.